The following is an entry in ClinVar:

ClinVar aggregate classification (germline): Conflicting classifications of pathogenicity. Review status: criteria provided, conflicting classifications (1 of 4 stars). 2 submissions from 2 submitters: Pathogenic (1); Uncertain significance (1). Last evaluated 2025-09-02.

Conditions:
Familial thoracic aortic aneurysm and aortic dissection (TAAD). Also called: Thoracic aortic aneurysms and dissections. Identifiers: Orphanet 91387, MedGen C4707243, MONDO:0019625.
Marfan syndrome (MFS). Also called: MARFAN SYNDROME, TYPE I; Marfan syndrome type 1; Marfan's syndrome; Marfan syndrome, classic; FBN1-Related Marfan Syndrome. Identifiers: Orphanet 284963, Orphanet 558, MedGen C0024796, MONDO:0007947, OMIM 154700.

Submissions (2):

Labcorp Genetics (formerly Invitae), Labcorp
Classification: Pathogenic for Marfan syndrome; Familial thoracic aortic aneurysm and aortic dissection. Last evaluated: 2025-09-02. Review status: criteria provided, single submitter. Criteria: Invitae Variant Classification Sherloc (09022015). Collection method: clinical testing. Allele origin: germline.
Comment: This sequence change affects codon 2205 of the FBN1 mRNA. It is a 'silent' change, meaning that it does not change the encoded amino acid sequence of the FBN1 protein. It affects a nucleotide within the consensus splice site. This variant is not present in population databases (gnomAD no frequency). This variant has been observed in individual(s) with clinical features of Marfan syndrome (PMID: 34957211; internal data). In at least one individual the variant was observed to be de novo. It has also been observed to segregate with disease in related individuals. ClinVar contains an entry for this variant (Variation ID: 2091385). Algorithms developed to predict the effect of sequence changes on RNA splicing suggest that this variant may disrupt the consensus splice site. For these reasons, this variant has been classified as Pathogenic.

GeneDx
Classification: Uncertain significance. Last evaluated: 2024-03-26. Review status: criteria provided, single submitter. Criteria: GeneDx Variant Classification Process June 2021. Collection method: clinical testing. Allele origin: germline. Affected: yes.
Comment: Not observed at significant frequency in large population cohorts (gnomAD); In silico analysis supports a deleterious effect on splicing; This variant is associated with the following publications: (PMID: 34957211)

Literature cited by the submitters: PubMed 34957211 (cited by Labcorp Genetics (formerly Invitae), Labcorp).

NM_000138.5(FBN1):c.6615A>G (p.Glu2205=)

Gene: FBN1 (fibrillin 1; minus strand). Cytogenetic location: 15q21.1.
Variant type: single nucleotide variant.
Coding change: c.6615A>G on transcript NM_000138.5 (MANE Select); coding-DNA position 6615, A replaced by G.
Protein change: p.Glu2205=; no amino-acid change (glutamic acid 2205 retained).
Molecular consequence: synonymous variant.
Genome position (GRCh38, 1-based): chr15:48,434,595, T>C on the plus strand (A>G on the coding strand, the complement: FBN1 is on the minus strand). VCF-style: chr15-48434595-T-C. GRCh37 (hg19) VCF-style: chr15-48726792-T-C.
Other names: c.6615A>G, p.Glu2205= (NM_001406716.1).
Identifiers: ClinVar variation 2091385 (VCV002091385.5), dbSNP rs2505429240, ClinGen allele CA490018722.